The following is an entry in ClinVar:

NM_203447.4(DOCK8):c.3100C>G (p.Leu1034Val)

Gene: DOCK8 (dedicator of cytokinesis 8; plus strand). Cytogenetic location: 9p24.3.
Variant type: single nucleotide variant.
Coding change: c.3100C>G on transcript NM_203447.4 (MANE Select); coding-DNA position 3100, C replaced by G.
Protein change: p.Leu1034Val; replaces leucine 1034 with valine.
Molecular consequence: missense variant.
Genome position (GRCh38, 1-based): chr9:396,914, C>G. VCF-style: chr9-396914-C-G. GRCh37 (hg19) VCF-style: chr9-396914-C-G.
Other names: c.2800C>G, p.Leu934Val (NM_001190458.2); c.2896C>G, p.Leu966Val (NM_001193536.2); short protein forms L966V, L934V, L1034V.
Identifiers: ClinVar variation 1489020 (VCV001489020.3), dbSNP rs1463483371, ClinGen allele CA372753110.
Genomic context (GRCh38, chr9:396,914, plus strand): 5'-GACCGTTTCATGGATGACATAACTACTATTGTTAATGTGGTCACCTCGGAAATTGCAGCC[C>G]TTTTAGTAAAACCACAGAAGGTAACTGTATTTTACTCTTTATTTTCTAAATTGTTTACCT-3'
Protein context (NP_982272.2, residues 1024-1044): VNVVTSEIAA[Leu1034Val]LVKPQKENEQ

ClinVar aggregate classification (germline): Uncertain significance (1 of 4 stars; one submission).

Conditions:
Combined immunodeficiency due to DOCK8 deficiency (HIES2). Also called: HIES autosomal recessive; DOCK8 Deficiency; Hyper-IgE recurrent infection syndrome, autosomal recessive; HYPER-IgE SYNDROME 2, AUTOSOMAL RECESSIVE, WITH RECURRENT INFECTIONS; HYPER-IgE RECURRENT INFECTION SYNDROME 2, AUTOSOMAL RECESSIVE. Identifiers: Orphanet 217390, MedGen C4722305, MONDO:0009478, OMIM 243700.

Allele frequency attached by ClinVar (database versions not stated): gnomAD exomes below 0.00001 and 0.00001; TOPMed below 0.00001; gnomAD 0.00001.
gnomAD v4.1: 10 of 1,613,860 alleles (0.00062%); highest among the groups gnomAD compares: Non-Finnish European, 0.00076%; no homozygotes.

Submission:

Labcorp Genetics (formerly Invitae), Labcorp
Classification: Uncertain significance for Combined immunodeficiency due to DOCK8 deficiency. Last evaluated: 2022-07-26. Review status: criteria provided, single submitter. Criteria: Invitae Variant Classification Sherloc (09022015). Collection method: clinical testing. Allele origin: germline.
Comment: This sequence change replaces leucine, which is neutral and non-polar, with valine, which is neutral and non-polar, at codon 1034 of the DOCK8 protein (p.Leu1034Val). This variant is present in population databases (no rsID available, gnomAD 0.0009%). This variant has not been reported in the literature in individuals affected with DOCK8-related conditions. ClinVar contains an entry for this variant (Variation ID: 1489020). Algorithms developed to predict the effect of missense changes on protein structure and function are either unavailable or do not agree on the potential impact of this missense change (SIFT: "Deleterious"; PolyPhen-2: "Benign"; Align-GVGD: "Class C0"). In summary, the available evidence is currently insufficient to determine the role of this variant in disease. Therefore, it has been classified as a Variant of Uncertain Significance.